The following is an entry in ClinVar:

ClinVar aggregate classification (germline): Uncertain significance (1 of 4 stars; one submission).

gnomAD v4.1: 1 of 1,612,830 alleles (0.000062%); highest among the groups gnomAD compares: Non-Finnish European, 0.000085%; no homozygotes.

Submission:

GeneDx
Classification: Uncertain significance. Last evaluated: 2022-05-03. Review status: criteria provided, single submitter. Criteria: GeneDx Variant Classification Process June 2021. Collection method: clinical testing. Allele origin: germline. Affected: yes.
Comment: Not observed at significant frequency in large population cohorts (gnomAD); Missense variant in a gene in which most reported pathogenic variants are truncating/loss of function; Has not been previously published as pathogenic or benign to our knowledge

NM_001267550.2(TTN):c.36310G>C (p.Glu12104Gln)

Gene: TTN (titin; minus strand). Cytogenetic location: 2q31.2.
Variant type: single nucleotide variant.
Coding change: c.36310G>C on transcript NM_001267550.2 (MANE Select); coding-DNA position 36310, G replaced by C.
Protein change: p.Glu12104Gln; replaces glutamic acid 12104 with glutamine.
Molecular consequence: missense variant. On other transcripts: intron variant (5).
Genome position (GRCh38, 1-based): chr2:178,664,069, C>G on the plus strand (G>C on the coding strand, the complement: TTN is on the minus strand). VCF-style: chr2-178664069-C-G. GRCh37 (hg19) VCF-style: chr2-179528796-C-G.
Other names: c.13283-21752G>C (NM_003319.4); c.13859-21752G>C (NM_133437.4); c.13658-21752G>C (NM_133432.3); c.31484-1014G>C (NM_133378.4); c.34265-1014G>C (NM_001256850.1); short protein forms E12104Q.
Identifiers: ClinVar variation 1722881 (VCV001722881.2), dbSNP rs1455879402, ClinGen allele CA349499150.
Genomic context (GRCh38, chr2:178,664,069, plus strand): 5'-AAATACCTTTAACAGGTGGGACTTCAGGCTTTTTAGGAGGCACCACCGACACTTTCTTTT[C>G]AGGGATAATCTCTTTGGGAGCTTCGTGCACTTGAAAGATATTAGTATTTTTACACTCAGA-3'
Protein context (NP_001254479.2, residues 12094-12114): VHEAPKEIIP[Glu12104Gln]KKVSVVPPKK